The following is an entry in ClinVar:

ClinVar aggregate classification (germline): Pathogenic (1 of 4 stars; one submission).

Conditions:
Hereditary cancer-predisposing syndrome. Also called: Hereditary neoplastic syndrome; Neoplastic Syndromes, Hereditary; Tumor predisposition; Hereditary Cancer Syndrome. Identifiers: Orphanet 140162, MedGen C0027672, MeSH D009386, MONDO:0015356.

Submission:

Ambry Genetics
Classification: Pathogenic for Hereditary cancer-predisposing syndrome. Last evaluated: 2025-07-08. Review status: criteria provided, single submitter. Criteria: Ambry Variant Classification Scheme 2023. Collection method: clinical testing. Allele origin: germline.
Comment: The p.Q687* pathogenic mutation (also known as c.2059C>T), located in coding exon 14 of the CTNNA1 gene, results from a C to T substitution at nucleotide position 2059. This changes the amino acid from a glutamine to a stop codon within coding exon 14. This variant is considered to be rare based on population cohorts in the Genome Aggregation Database (gnomAD). This alteration is expected to result in loss of function by premature protein truncation or nonsense-mediated mRNA decay. As such, this variant is interpreted as a disease-causing mutation.

NM_001903.5(CTNNA1):c.2059C>T (p.Gln687Ter)

Gene: CTNNA1 (catenin alpha 1; plus strand). Cytogenetic location: 5q31.2.
Variant type: single nucleotide variant.
Coding change: c.2059C>T on transcript NM_001903.5 (MANE Select); coding-DNA position 2059, C replaced by T.
Protein change: p.Gln687Ter; replaces glutamine 687 with a stop codon.
Molecular consequence: nonsense.
Genome position (GRCh38, 1-based): chr5:138,930,521, C>T. VCF-style: chr5-138930521-C-T. GRCh37 (hg19) VCF-style: chr5-138266210-C-T.
Other names: c.2059C>T, p.Gln687Ter (NM_001290307.3, NM_001323982.2, NM_001323983.1 and 2 more transcripts); c.1750C>T, p.Gln584Ter (NM_001290309.3); c.1690C>T, p.Gln564Ter (NM_001290310.3); c.949C>T, p.Gln317Ter (NM_001290312.1, NM_001323987.1, NM_001323988.1 and 17 more transcripts); c.1966C>T, p.Gln656Ter (NM_001323986.2); c.610C>T, p.Gln204Ter (NM_001324006.1, NM_001324007.1, NM_001324008.1 and 2 more transcripts); c.856C>T, p.Gln286Ter (NM_001324011.1); c.706C>T, p.Gln236Ter (NM_001324012.1, NM_001324013.1); short protein forms Q564*, Q656*, Q317*, Q584*, Q204*, Q236*, Q687*, Q286*.
Identifiers: ClinVar variation 3837157 (VCV003837157.2).
Genomic context (GRCh38, chr5:138,930,521, plus strand): 5'-TTCTGATCACAGGCGATCATGGCTCAGCTTCCCCAGGAGCAAAAAGCGAAGATTGCGGAA[C>T]AGGTGGCCAGCTTCCAGGAAGAAAAGAGCAAGCTGGATGCTGAAGTGTCCAAATGGGACG-3'